The following is an entry in ClinVar:

ClinVar aggregate classification (germline): Pathogenic. Review status: criteria provided, multiple submitters, no conflicts (2 of 4 stars). 2 submissions from 2 submitters: Pathogenic (2). Last evaluated 2025-09-20.

Conditions:
Hereditary cancer-predisposing syndrome. Also called: Neoplastic Syndromes, Hereditary; Tumor predisposition; Hereditary Cancer Syndrome; Hereditary neoplastic syndrome. Identifiers: Orphanet 140162, MedGen C0027672, MeSH D009386, MONDO:0015356.
Hereditary breast ovarian cancer syndrome. Also called: Hereditary breast and ovarian cancer syndrome; Breast and ovarian cancer; Hereditary breast and/or ovarian cancer syndrome; Hereditary breast and ovarian cancer; BRCA1- and BRCA2-Associated Hereditary Breast and Ovarian Cancer; Hereditary breast and ovarian cancer syndrome (HBOC). Identifiers: Orphanet 145, MedGen C0677776, MeSH D061325, MONDO:0003582. Disease mechanism: loss of function.

Submissions (2):

Labcorp Genetics (formerly Invitae), Labcorp
Classification: Pathogenic for Hereditary breast ovarian cancer syndrome. Last evaluated: 2025-09-20. Review status: criteria provided, single submitter. Criteria: Invitae Variant Classification Sherloc (09022015). Collection method: clinical testing. Allele origin: germline.
Comment: This sequence change creates a premature translational stop signal (p.Lys1367*) in the BRCA2 gene. It is expected to result in an absent or disrupted protein product. Loss-of-function variants in BRCA2 are known to be pathogenic (PMID: 20104584). This variant is not present in population databases (gnomAD no frequency). This variant has not been reported in the literature in individuals affected with BRCA2-related conditions. ClinVar contains an entry for this variant (Variation ID: 1737795). For these reasons, this variant has been classified as Pathogenic.

Ambry Genetics
Classification: Pathogenic for Hereditary cancer-predisposing syndrome. Last evaluated: 2022-08-09. Review status: criteria provided, single submitter. Criteria: Ambry Variant Classification Scheme 2023. Collection method: clinical testing. Allele origin: germline.
Comment: The p.K1367* pathogenic mutation (also known as c.4099A>T), located in coding exon 10 of the BRCA2 gene, results from an A to T substitution at nucleotide position 4099. This changes the amino acid from a lysine to a stop codon within coding exon 10. This variant is considered to be rare based on population cohorts in the Genome Aggregation Database (gnomAD). This alteration is expected to result in loss of function by premature protein truncation or nonsense-mediated mRNA decay. As such, this alteration is interpreted as a disease-causing mutation.

Literature cited by the submitters: PubMed 20104584 (cited by Labcorp Genetics (formerly Invitae), Labcorp).

NM_000059.4(BRCA2):c.4099A>T (p.Lys1367Ter)

Gene: BRCA2 (BRCA2 DNA repair associated; plus strand). Cytogenetic location: 13q13.1.
Variant type: single nucleotide variant.
Coding change: c.4099A>T on transcript NM_000059.4 (MANE Select); coding-DNA position 4099, A replaced by T.
Protein change: p.Lys1367Ter; replaces lysine 1367 with a stop codon.
Molecular consequence: nonsense.
Genome position (GRCh38, 1-based): chr13:32,338,454, A>T. VCF-style: chr13-32338454-A-T. GRCh37 (hg19) VCF-style: chr13-32912591-A-T.
Other names: c.4099A>T, p.Lys1367Ter (NM_001406719.1, NM_001406720.1); short protein forms K1367*.
Identifiers: ClinVar variation 1737795 (VCV001737795.7), dbSNP rs2137502904, ClinGen allele CA387779247.